The following is an entry in ClinVar:

NM_001378030.1(CCDC78):c.845G>A (p.Arg282Gln)

Gene: CCDC78 (coiled-coil domain containing 78; minus strand). Cytogenetic location: 16p13.3.
Variant type: single nucleotide variant.
Coding change: c.845G>A on transcript NM_001378030.1 (MANE Select); coding-DNA position 845, G replaced by A.
Protein change: p.Arg282Gln; replaces arginine 282 with glutamine.
Molecular consequence: missense variant. On other transcripts: non-coding transcript variant (5).
Genome position (GRCh38, 1-based): chr16:724,430, C>T on the plus strand (G>A on the coding strand, the complement: CCDC78 is on the minus strand). VCF-style: chr16-724430-C-T. GRCh37 (hg19) VCF-style: chr16-774430-C-T.
Other names: c.845G>A, p.Arg282Gln (NM_001031737.3, NM_001378031.1); c.278G>A, p.Arg93Gln (NM_001378033.1); short protein forms R282Q, R93Q.
Identifiers: ClinVar variation 834406 (VCV000834406.10), dbSNP rs201634385, ClinGen allele CA7789381.
Genomic context (GRCh38, chr16:724,430, plus strand): 5'-CTCTTGTGGTAGCTGCGGGCAGCCCGGGCCAGCTGCTGCTCACGGCTGCGGTGCGCTGCC[C>T]GGATGTCCTCCAGAGTCGCCTCCAGGAATGTCCGGAGGGCCGTGGTGGCTGGCGCTTGGC-3'
Protein context (NP_001364959.1, residues 272-292): TFLEATLEDI[Arg282Gln]AAHRSREQQL

ClinVar aggregate classification (germline): Uncertain significance. Review status: criteria provided, multiple submitters, no conflicts (2 of 4 stars). 2 submissions from 2 submitters: Uncertain significance (2). Last evaluated 2025-08-25.

Conditions:
Congenital myopathy with internal nuclei and atypical cores. Also called: Myopathy, centronuclear, 4. Identifiers: Orphanet 319160, MedGen C4707232, MONDO:0013890, OMIM 614807.
Inborn genetic diseases. Identifiers: MedGen C0950123, MeSH D030342.

Allele frequency attached by ClinVar (database versions not stated): gnomAD 0.00004 and 0.00005; TOPMed 0.00005; 1000 Genomes Project 0.00020; 1000 Genomes Project 30x 0.00031.
gnomAD v4.1: 78 of 1,607,704 alleles (0.0049%); highest among the groups gnomAD compares: Middle Eastern, 0.05%; no homozygotes.

Submissions (2):

Ambry Genetics
Classification: Uncertain significance for Inborn genetic diseases. Last evaluated: 2025-08-25. Review status: criteria provided, single submitter. Criteria: Ambry Variant Classification Scheme 2023. Collection method: clinical testing. Allele origin: germline.

Labcorp Genetics (formerly Invitae), Labcorp
Classification: Uncertain significance for Congenital myopathy with internal nuclei and atypical cores. Last evaluated: 2024-10-03. Review status: criteria provided, single submitter. Criteria: Invitae Variant Classification Sherloc (09022015). Collection method: clinical testing. Allele origin: germline.
Comment: This sequence change replaces arginine, which is basic and polar, with glutamine, which is neutral and polar, at codon 282 of the CCDC78 protein (p.Arg282Gln). This variant is present in population databases (rs201634385, gnomAD 0.01%). This variant has not been reported in the literature in individuals affected with CCDC78-related conditions. ClinVar contains an entry for this variant (Variation ID: 834406). Invitae Evidence Modeling of protein sequence and biophysical properties (such as structural, functional, and spatial information, amino acid conservation, physicochemical variation, residue mobility, and thermodynamic stability) indicates that this missense variant is not expected to disrupt CCDC78 protein function with a negative predictive value of 80%. In summary, the available evidence is currently insufficient to determine the role of this variant in disease. Therefore, it has been classified as a Variant of Uncertain Significance.